The following is an entry in ClinVar:

NM_004304.5(ALK):c.761C>T (p.Pro254Leu)

Gene: ALK (ALK receptor tyrosine kinase; minus strand). Cytogenetic location: 2p23.2.
Variant type: single nucleotide variant.
Coding change: c.761C>T on transcript NM_004304.5 (MANE Select); coding-DNA position 761, C replaced by T.
Protein change: p.Pro254Leu; replaces proline 254 with leucine.
Molecular consequence: missense variant.
Genome position (GRCh38, 1-based): chr2:29,717,604, G>A on the plus strand (C>T on the coding strand, the complement: ALK is on the minus strand). VCF-style: chr2-29717604-G-A. GRCh37 (hg19) VCF-style: chr2-29940470-G-A.
Other names: short protein forms P254L.
Identifiers: ClinVar variation 4672392 (VCV004672392.1).

ClinVar aggregate classification (germline): Uncertain significance (1 of 4 stars; one submission).

Conditions:
Hereditary cancer-predisposing syndrome. Also called: Neoplastic Syndromes, Hereditary; Tumor predisposition; Hereditary Cancer Syndrome; Hereditary neoplastic syndrome. Identifiers: Orphanet 140162, MedGen C0027672, MeSH D009386, MONDO:0015356.

Submission:

Ambry Genetics
Classification: Uncertain significance for Hereditary cancer-predisposing syndrome. Last evaluated: 2025-09-26. Review status: criteria provided, single submitter. Criteria: Ambry Variant Classification Scheme 2023. Collection method: clinical testing. Allele origin: germline.
Comment: The p.P254L variant (also known as c.761C>T), located in coding exon 2 of the ALK gene, results from a C to T substitution at nucleotide position 761. The proline at codon 254 is replaced by leucine, an amino acid with similar properties. This amino acid position is conserved. In addition, the in silico prediction for this alteration is inconclusive. Based on the available evidence, the clinical significance of this variant remains unclear.